The following is an entry in ClinVar:

NM_018008.4(FEZF2):c.1257C>A (p.Cys419Ter)

Gene: FEZF2 (FEZ family zinc finger 2; minus strand). Cytogenetic location: 3p14.2.
Variant type: single nucleotide variant.
Coding change: c.1257C>A on transcript NM_018008.4 (MANE Select); coding-DNA position 1257, C replaced by A.
Protein change: p.Cys419Ter; replaces cysteine 419 with a stop codon.
Molecular consequence: nonsense.
Genome position (GRCh38, 1-based): chr3:62,370,206, G>T on the plus strand (C>A on the coding strand, the complement: FEZF2 is on the minus strand). VCF-style: chr3-62370206-G-T. GRCh37 (hg19) VCF-style: chr3-62355881-G-T.
Other names: short protein forms C419*.
Identifiers: ClinVar variation 3342746 (VCV003342746.2).
Genomic context (GRCh38, chr3:62,370,206, plus strand): 5'-GAGTTTGCGCACATGTTTCTTTAAGTCAAAGTTTCTGCAAAACCCTTTGCCGCAAGTGGC[G>T]CACGTGAAAGGCTTCTTGTCGTTGTGGGTGTGCATATGGAAGGTTAGGTTGTAGACCTGG-3'

ClinVar aggregate classification (germline): Likely pathogenic (1 of 4 stars; one submission).

Submission:

GeneDx
Classification: Likely pathogenic. Last evaluated: 2025-10-20. Review status: criteria provided, single submitter. Criteria: GeneDx Variant Classification Process June 2021. Collection method: clinical testing. Allele origin: germline.
Comment: Nonsense variant predicted to result in protein truncation as the last 41 amino acid(s) are lost; Not observed at significant frequency in large population cohorts (gnomAD); This variant is associated with the following publications: (PMID: 38425142)